The following is an entry in ClinVar:

NM_000199.5(SGSH):c.448C>T (p.Arg150Trp)

Gene: SGSH (N-sulfoglucosamine sulfohydrolase; minus strand). Cytogenetic location: 17q25.3.
Variant type: single nucleotide variant.
Coding change: c.448C>T on transcript NM_000199.5 (MANE Select); coding-DNA position 448, C replaced by T.
Protein change: p.Arg150Trp; replaces arginine 150 with tryptophan.
Molecular consequence: missense variant. On other transcripts: non-coding transcript variant (1).
Genome position (GRCh38, 1-based): chr17:80,214,673, G>A on the plus strand (C>T on the coding strand, the complement: SGSH is on the minus strand). VCF-style: chr17-80214673-G-A. GRCh37 (hg19) VCF-style: chr17-78188472-G-A.
Other names: c.448C>T, p.Arg150Trp (NM_001352921.3, NM_001352922.2); c.448C>T (NM_000199.3); short protein forms R150W.
Identifiers: ClinVar variation 638088 (VCV000638088.17), dbSNP rs1479831530, ClinGen allele CA401362762.

ClinVar aggregate classification (germline): Pathogenic/Likely pathogenic. Review status: criteria provided, multiple submitters, no conflicts (2 of 4 stars). 7 submissions from 7 submitters: Pathogenic (1); Likely pathogenic (5). 1 of the submissions does not count toward it. Last evaluated 2024-12-19.

Conditions:
Mucopolysaccharidosis, MPS-III-A (MPS3A). Also called: Mucopolysaccharidosis, type IIIA; MPS IIIA (Sanfilippo Syndrome Type A); MPS III A; SANFILIPPO SYNDROME A; SULFAMIDASE DEFICIENCY; Mucopolysaccharidosis type IIIA (Sanfilippo A). Identifiers: Orphanet 581, Orphanet 79269, MedGen C0086647, MONDO:0009655, OMIM 252900.

Allele frequency attached by ClinVar (database versions not stated): TOPMed 0.00001; gnomAD exomes below 0.00001; gnomAD 0.00001.

Submissions (7):

Natera, Inc.
Classification: Likely pathogenic for Mucopolysaccharidosis type IIIA. Last evaluated: 2024-12-19. Review status: criteria provided, single submitter. Criteria: Natera Variant Classification Schema (03/2026). Collection method: clinical testing. Allele origin: germline.
Comment: The c.448C>T variant in SGSH is a missense variant predicted to cause substitution of arginine to tryptophan at amino acid 150. This variant is rare in the general population with a frequency below the threshold expected for the associated phenotype(s). This variant has been observed in one or more individuals affected with the associated recessive disease, as either homozygous or compound heterozygous with a second variant (PMID: 34991944, 11182930, 30809705). A different variant at the same position has been determined to be Pathogenic or Likely Pathogenic. Computational prediction algorithms indicate this variant is likely to affect gene or protein function. Given the available evidence, this variant is classified as Likely Pathogenic.

GeneDx
Classification: Likely pathogenic. Last evaluated: 2024-09-12. Review status: criteria provided, single submitter. Criteria: GeneDx Variant Classification Process June 2021. Collection method: clinical testing. Allele origin: germline. Affected: yes.
Comment: Observed in patients with MPS III phenotypes without a second variant identified (PMID:11343308,32447333), or with a second SGSH variant identified without confirmation of phase (PMID:11182930, 30809705); Not observed at significant frequency in large population cohorts (gnomAD); In silico analysis supports that this missense variant has a deleterious effect on protein structure/function; This variant is associated with the following publications: (PMID: 11182930, 30809705, 11668611, 25807448, 24816101, 32447333, 11343308, 34991944)

Baylor Genetics
Classification: Likely pathogenic for Mucopolysaccharidosis, MPS-III-A. Last evaluated: 2024-03-18. Review status: criteria provided, single submitter. Criteria: ACMG Guidelines, 2015. Collection method: clinical testing. Allele origin: unknown.

Labcorp Genetics (formerly Invitae), Labcorp
Classification: Pathogenic for Mucopolysaccharidosis, MPS-III-A. Last evaluated: 2024-02-22. Review status: criteria provided, single submitter. Criteria: Invitae Variant Classification Sherloc (09022015). Collection method: clinical testing. Allele origin: germline.
Comment: This sequence change replaces arginine, which is basic and polar, with tryptophan, which is neutral and slightly polar, at codon 150 of the SGSH protein (p.Arg150Trp). This variant is present in population databases (no rsID available, gnomAD 0.003%). This missense change has been observed in individual(s) with mucopolysaccharidosis type III (PMID: 11182930, 30809705). ClinVar contains an entry for this variant (Variation ID: 638088). Advanced modeling of protein sequence and biophysical properties (such as structural, functional, and spatial information, amino acid conservation, physicochemical variation, residue mobility, and thermodynamic stability) performed at Invitae indicates that this missense variant is expected to disrupt SGSH protein function with a positive predictive value of 80%. This variant disrupts the p.Arg150 amino acid residue in SGSH. Other variant(s) that disrupt this residue have been determined to be pathogenic (PMID: 9401012, 9554748, 9744479, 10727844, 11343308, 21061399, 21204211). This suggests that this residue is clinically significant, and that variants that disrupt this residue are likely to be disease-causing. For these reasons, this variant has been classified as Pathogenic.

Women's Health and Genetics/Laboratory Corporation of America, LabCorp
Classification: Likely pathogenic for Mucopolysaccharidosis, MPS-III-A. Last evaluated: 2022-09-29. Review status: criteria provided, single submitter. Criteria: LabCorp Variant Classification Summary - May 2015. Collection method: clinical testing. Allele origin: germline.
Comment: Variant summary: SGSH c.448C>T (p.Arg150Trp) results in a non-conservative amino acid change located in the sulfatase, N-terminal domain (IPR000917) of the encoded protein sequence. Five of five in-silico tools predict a damaging effect of the variant on protein function. The variant allele was found at a frequency of 4e-06 in 250536 control chromosomes (gnomAD). c.448C>T has been reported in the literature as a biallelic genotype and in the heterozygous state in individuals affected with Mucopolysaccharidosis Type IIIA (Sanfilippo Syndrome A) (e.g. Beesley_2000, Chabas_2001, Zanetti_2019, Kong_2020, Wijburg_2022). These data indicate that the variant is likely to be associated with disease. Other variants affecting the same amino acid residue (p.Arg150Gln, p.Arg150Gly) have been cited in ClinVar and/or HGDM as pathogenic/likely pathogenic and disease-associated. To our knowledge, no experimental evidence demonstrating an impact on protein function has been reported. Three submitters have provided assessments for this variant to ClinVar after 2014 without evidence for independent evaluation. Based on the evidence outlined above, the variant was classified as likely pathogenic.

Genome-Nilou Lab
Classification: Likely pathogenic for Mucopolysaccharidosis, MPS-III-A. Last evaluated: 2021-11-07. Review status: criteria provided, single submitter. Criteria: ACMG Guidelines, 2015. Collection method: clinical testing. Allele origin: germline. Affected: no.

Laboratory of Diagnosis and Therapy of Lysosomal Disorders, University of Padova
Classification: Uncertain significance for Mucopolysaccharidosis, MPS-III-A. Last evaluated: 2019-01-01. Review status: flagged submission. Criteria: ACMG Guidelines, 2015. Collection method: literature only. Allele origin: germline. Affected: yes. Not counted in ClinVar's aggregate classification.
Comment: PM2: Very low frequency in ExAc. PP3:multiple lines of computational evidence supporting a deleterious effect (DANN, MutationTaster, GERP, SIFT)
ClinVar note: Reason: Older and outlier claim with insufficient supporting evidence

Literature cited by the submitters: PubMed 34991944 (cited by Natera, Inc. and Women's Health and Genetics/Laboratory Corporation of America, LabCorp); PubMed 11182930 (cited by 4 submitters); PubMed 30809705 (cited by 4 submitters); PubMed 9401012 (cited by Labcorp Genetics (formerly Invitae), Labcorp); PubMed 9554748 (cited by Labcorp Genetics (formerly Invitae), Labcorp); PubMed 9744479 (cited by Labcorp Genetics (formerly Invitae), Labcorp); PubMed 10727844 (cited by Labcorp Genetics (formerly Invitae), Labcorp); PubMed 11343308 (cited by Labcorp Genetics (formerly Invitae), Labcorp and Women's Health and Genetics/Laboratory Corporation of America, LabCorp); PubMed 21061399 (cited by Labcorp Genetics (formerly Invitae), Labcorp); PubMed 21204211 (cited by Labcorp Genetics (formerly Invitae), Labcorp); PubMed 24816101 (cited by Women's Health and Genetics/Laboratory Corporation of America, LabCorp); PubMed 25807448 (cited by Women's Health and Genetics/Laboratory Corporation of America, LabCorp); PubMed 32447333 (cited by Women's Health and Genetics/Laboratory Corporation of America, LabCorp).